The following is an entry in ClinVar:

ClinVar aggregate classification (germline): Pathogenic. Review status: criteria provided, single submitter (1 of 4 stars). 3 submissions from 2 submitters: Pathogenic (1). 2 of the submissions do not count toward it. Last evaluated 2026-09-08.

Conditions:
Fabry disease. Also called: ALPHA-GALACTOSIDASE A DEFICIENCY; ANDERSON-FABRY DISEASE; CERAMIDE TRIHEXOSIDASE DEFICIENCY; Fabry's disease; Angiokeratoma corporis diffusum; Ceramide trihexosidosis. Identifiers: Orphanet 324, MedGen C0002986, MONDO:0010526, OMIM 301500, HP:0001071. Disease mechanism: loss of function, Fabry disease is due to inactivating mutations in the X-linked GLA gene resulting in deficiency of the enzyme Alpha Galactosidase-A..
Migalastat response. Also called: 1-Deoxygalactonojirimycin response; Galafold response. Identifiers: MedGen CN233149.

Submissions (3):

Genomenon, Inc
Classification: Pathogenic for Fabry disease. Last evaluated: 2026-09-08. Review status: criteria provided, single submitter. Criteria: Genomenon Sequence Variant Interpretation Standards - Updated. Collection method: curation. Allele origin: germline. Affected: yes.
Comment: GLA p.Ile91Asn (c.272T>A) is a missense variant that changes the amino acid at codon 91 from Isoleucine to Asparagine. This variant has been observed in at least one proband with clinical features consistent with Fabry disease (PMID:26415523). At least one functional study has demonstrated a substantial alteration in protein function relative to the wild-type (PMID:26415523). This variant is located in a mutational hotspot and/or important functional domain. It is absent or not present at a significant frequency in gnomAD. In silico models predict that this variant is possibly or probably damaging. In conclusion, we classify GLA p.Ile91Asn (c.272T>A) as a pathogenic variant.

Albrecht-Kossel-Institute, Medical University Rostock
Classification: Pathogenic for Fabry's disease. Last evaluated: 2014-01-01. Review status: no assertion criteria provided. Collection method: research. Allele origin: inherited. Not counted in ClinVar's aggregate classification.

Albrecht-Kossel-Institute, Medical University Rostock
Classification: drug response for deoxygalactonojirimycin response. Last evaluated: 2014-01-01. Review status: no assertion criteria provided. Collection method: research. Allele origin: inherited. Not counted in ClinVar's aggregate classification.

Literature cited by the submitters: PubMed 26415523 (cited by Genomenon, Inc and Albrecht-Kossel-Institute, Medical University Rostock).

NM_000169.3(GLA):c.272T>A (p.Ile91Asn)

Genes: GLA (galactosidase alpha; minus strand), RPL36A-HNRNPH2 (RPL36A-HNRNPH2 readthrough; plus strand). Cytogenetic location: Xq22.1.
Variant type: single nucleotide variant.
Coding change: c.272T>A on transcript NM_000169.3 (MANE Select); coding-DNA position 272, T replaced by A.
Protein change: p.Ile91Asn; replaces isoleucine 91 with asparagine.
Molecular consequence: missense variant. On other transcripts: non-coding transcript variant (3), intron variant (2).
Genome position (GRCh38, 1-based): chrX:101,403,908, A>T on the plus strand (T>A on the coding strand, the complement: GLA is on the minus strand). VCF-style: chrX-101403908-A-T. GRCh37 (hg19) VCF-style: chrX-100658896-A-T.
Other names: c.395T>A, p.Ile132Asn (NM_001406747.1, NM_001406749.1); c.272T>A, p.Ile91Asn (NM_001406748.1); c.301-8028A>T (NM_001199973.2); c.178-8028A>T (NM_001199974.2); short protein forms I91N, I132N.
Identifiers: ClinVar variation 217382 (VCV000217382.3), dbSNP rs869312141, ClinGen allele CA353184.